The following is an entry in ClinVar:

NM_020778.5(ALPK3):c.4657T>G (p.Cys1553Gly)

Gene: ALPK3 (alpha kinase 3; plus strand). Cytogenetic location: 15q25.3.
Variant type: single nucleotide variant.
Coding change: c.4657T>G on transcript NM_020778.5 (MANE Select); coding-DNA position 4657, T replaced by G.
Protein change: p.Cys1553Gly; replaces cysteine 1553 with glycine.
Molecular consequence: missense variant.
Genome position (GRCh38, 1-based): chr15:84,864,599, T>G. VCF-style: chr15-84864599-T-G. GRCh37 (hg19) VCF-style: chr15-85407830-T-G.
Other names: short protein forms C1553G.
Identifiers: ClinVar variation 2089479 (VCV002089479.4), dbSNP rs2505729820, ClinGen allele CA393365236.

ClinVar aggregate classification (germline): Uncertain significance (1 of 4 stars; one submission).

Submission:

Labcorp Genetics (formerly Invitae), Labcorp
Classification: Uncertain significance. Last evaluated: 2022-01-26. Review status: criteria provided, single submitter. Criteria: Invitae Variant Classification Sherloc (09022015). Collection method: clinical testing. Allele origin: germline.
Comment: In summary, the available evidence is currently insufficient to determine the role of this variant in disease. Therefore, it has been classified as a Variant of Uncertain Significance. Algorithms developed to predict the effect of missense changes on protein structure and function are either unavailable or do not agree on the potential impact of this missense change (SIFT: "Tolerated"; PolyPhen-2: "Probably Damaging"; Align-GVGD: "Class C0"). This variant has not been reported in the literature in individuals affected with ALPK3-related conditions. This variant is not present in population databases (gnomAD no frequency). This sequence change replaces cysteine, which is neutral and slightly polar, with glycine, which is neutral and non-polar, at codon 1755 of the ALPK3 protein (p.Cys1755Gly).